The following is an entry in ClinVar:

NM_001267550.2(TTN):c.9514G>A (p.Glu3172Lys)

Gene: TTN (titin; minus strand). Cytogenetic location: 2q31.2.
Variant type: single nucleotide variant.
Coding change: c.9514G>A on transcript NM_001267550.2 (MANE Select); coding-DNA position 9514, G replaced by A.
Protein change: p.Glu3172Lys; replaces glutamic acid 3172 with lysine.
Molecular consequence: missense variant.
Genome position (GRCh38, 1-based): chr2:178,766,570, C>T on the plus strand (G>A on the coding strand, the complement: TTN is on the minus strand). VCF-style: chr2-178766570-C-T. GRCh37 (hg19) VCF-style: chr2-179631297-C-T.
Other names: c.9514G>A, p.Glu3172Lys (NM_001256850.1, NM_133378.4, NM_133379.5); c.9376G>A, p.Glu3126Lys (NM_003319.4, NM_133432.3, NM_133437.4); short protein forms E3126K, E3172K.
Identifiers: ClinVar variation 4820470 (VCV004820470.1), dbSNP rs754529831.

ClinVar aggregate classification (germline): Likely benign (1 of 4 stars; one submission).

gnomAD v4.1: 7 of 1,614,076 alleles (0.00043%); highest among the groups gnomAD compares: Non-Finnish European, 0.00059%; no homozygotes.

Submission:

Molecular Diagnostic Laboratory for Inherited Cardiovascular Disease, Montreal Heart Institute
Classification: Likely benign. Last evaluated: 2026-03-27. Review status: criteria provided, single submitter. Criteria: ACMG Guidelines, 2015. Collection method: clinical testing. Allele origin: germline. Affected: no.
Comment: BP1